The following is an entry in ClinVar:

NM_001082538.3(TCTN1):c.1387T>C (p.Trp463Arg)

Gene: TCTN1 (tectonic family member 1; plus strand). Cytogenetic location: 12q24.11.
Variant type: single nucleotide variant.
Coding change: c.1387T>C on transcript NM_001082538.3 (MANE Select); coding-DNA position 1387, T replaced by C.
Protein change: p.Trp463Arg; replaces tryptophan 463 with arginine.
Molecular consequence: missense variant. On other transcripts: non-coding transcript variant (1).
Genome position (GRCh38, 1-based): chr12:110,645,022, T>C. VCF-style: chr12-110645022-T-C. GRCh37 (hg19) VCF-style: chr12-111082827-T-C.
Other names: c.1387T>C, p.Trp463Arg (NM_001082537.3); c.1219T>C, p.Trp407Arg (NM_001173975.3); c.1060T>C, p.Trp354Arg (NM_001173976.2); c.1240T>C, p.Trp414Arg (NM_001319680.2); c.853T>C, p.Trp285Arg (NM_001319681.2); c.1345T>C, p.Trp449Arg (NM_024549.6); short protein forms W449R, W463R, W414R, W285R, W354R, W407R.
Identifiers: ClinVar variation 373177 (VCV000373177.22), dbSNP rs114568905, ClinGen allele CA6786888.

ClinVar aggregate classification (germline): Benign/Likely benign. Review status: criteria provided, multiple submitters, no conflicts (2 of 4 stars). 6 submissions from 5 submitters: Benign (1); Likely benign (3). 2 of the submissions do not count toward it. Last evaluated 2026-02-03.

Conditions:
Meckel-Gruber syndrome. Also called: Dysencephalia splachnocystica; DYSENCEPHALIA SPLANCHNOCYSTICA; GRUBER SYNDROME. Identifiers: Orphanet 564, MedGen C0265215, MONDO:0018921.
Joubert syndrome. Also called: JOUBERT-BOLTSHAUSER SYNDROME; Familial aplasia of the vermis. Identifiers: Orphanet 475, MedGen C5979921, MONDO:0018772.
TCTN1-related disorder. Also called: TCTN1-related condition.
Joubert syndrome 13 (JBTS13). Identifiers: Orphanet 475, MedGen C3280031, MONDO:0013608, OMIM 614173.

Allele frequency attached by ClinVar (database versions not stated): gnomAD exomes 0.00018 and 0.00051; ExAC 0.00068; ESP Exome Variant Server 0.00193; gnomAD 0.00194; TOPMed 0.00217; 1000 Genomes Project 0.00240; 1000 Genomes Project 30x 0.00312.
gnomAD v4.1: 555 of 1,614,230 alleles (0.034%); highest among the groups gnomAD compares: African/African-American, 0.67%; 1 homozygote.

Submissions (6):

Labcorp Genetics (formerly Invitae), Labcorp
Classification: Likely benign for Joubert syndrome; Meckel-Gruber syndrome. Last evaluated: 2026-02-03. Review status: criteria provided, single submitter. Criteria: Invitae Variant Classification Sherloc (09022015). Collection method: clinical testing. Allele origin: germline.

Blueprint Genetics
Classification: Likely benign. Last evaluated: 2024-10-22. Review status: criteria provided, single submitter. Criteria: ACMG Guidelines, 2015. Collection method: clinical testing. Allele origin: germline.

GeneDx
Classification: Likely benign. Last evaluated: 2020-03-09. Review status: criteria provided, single submitter. Criteria: GeneDx Variant Classification Process June 2021. Collection method: clinical testing. Allele origin: germline. Affected: yes.

Illumina Laboratory Services, Illumina
Classification: Benign for Joubert syndrome 13. Last evaluated: 2017-05-05. Review status: criteria provided, single submitter. Criteria: ICSL Variant Classification Criteria 13 December 2019. Collection method: clinical testing. Allele origin: germline.
Comment: This variant was observed as part of a predisposition screen in an ostensibly healthy population. A literature search was performed for the gene, cDNA change, and amino acid change (where applicable). No publications were found based on this search. Allele frequency data from public databases was too high to be consistent with this variant causing disease. Therefore, this variant is classified as benign.

PreventionGenetics, part of Exact Sciences
Classification: Likely benign for TCTN1-related condition. Last evaluated: 2022-11-18. Review status: no assertion criteria provided. Collection method: clinical testing. Allele origin: germline. Not counted in ClinVar's aggregate classification.
Comment: This variant is classified as likely benign based on ACMG/AMP sequence variant interpretation guidelines (Richards et al. 2015 PMID: 25741868, with internal and published modifications).

GeneDx
Classification: Uncertain significance. Last evaluated: 2016-11-15. Review status: flagged submission. Criteria: GeneDx Variant Classification (06012015). Collection method: clinical testing. Allele origin: germline. Affected: yes. Not counted in ClinVar's aggregate classification.
Comment: A variant of uncertain significance has been identified in the TCTN1 gene. The W463R variant has not been published as a pathogenic variant, nor has it been reported as a benign variant to our knowledge. The NHLBI Exome Sequencing Project and the 1000 Genomes Project reports W463R was observed in 0.6-2.0% alleles from individuals of African background, indicating it may be a rare (benign) variant in this population. The W463R variant is a non-conservative amino acid substitution, which is likely to impact secondary protein structure as these residues differ in polarity, charge, size and/or other properties. However, this substitution occurs at a position that is not conserved. In silico analysis is inconsistent in its predictions as to whether or not the variant is damaging to the protein structure/function. Therefore, based on the currently available information, it is unclear whether this variant is a pathogenic variant or a rare benign variant.
ClinVar note: Reason: This record appears to be redundant with a more recent record from the same submitter.
ClinVar note: Notes: SCV000491754 appears to be redundant with SCV001789939.